The following is an entry in ClinVar:

NM_016495.6(TBC1D7):c.803A>G (p.Gln268Arg)

Genes: TBC1D7 (TBC1 domain family member 7; minus strand), TBC1D7-LOC100130357 (TBC1D7-LOC100130357 readthrough; minus strand). Cytogenetic location: 6p24.1.
Variant type: single nucleotide variant.
Coding change: c.803A>G on transcript NM_016495.6 (MANE Select); coding-DNA position 803, A replaced by G.
Protein change: p.Gln268Arg; replaces glutamine 268 with arginine.
Molecular consequence: missense variant.
Genome position (GRCh38, 1-based): chr6:13,305,180, T>C on the plus strand (A>G on the coding strand, the complement: TBC1D7 is on the minus strand). VCF-style: chr6-13305180-T-C. GRCh37 (hg19) VCF-style: chr6-13305412-T-C.
Other names: c.803A>G, p.Gln268Arg (NM_001318809.2, NM_001143964.4, NM_001143965.4 and 1 more transcripts); c.722A>G, p.Gln241Arg (NM_001143966.4); c.665A>G, p.Gln222Arg (NM_001258457.3); short protein forms Q222R, Q241R, Q268R.
Identifiers: ClinVar variation 1480755 (VCV001480755.6), dbSNP rs910681146, ClinGen allele CA362774726.

ClinVar aggregate classification (germline): Uncertain significance (1 of 4 stars; one submission).

Submission:

Labcorp Genetics (formerly Invitae), Labcorp
Classification: Uncertain significance. Last evaluated: 2021-09-07. Review status: criteria provided, single submitter. Criteria: Invitae Variant Classification Sherloc (09022015). Collection method: clinical testing. Allele origin: germline.
Comment: In summary, the available evidence is currently insufficient to determine the role of this variant in disease. Therefore, it has been classified as a Variant of Uncertain Significance. Algorithms developed to predict the effect of missense changes on protein structure and function output the following: SIFT: "Deleterious"; PolyPhen-2: "Benign"; Align-GVGD: "Class C0". The arginine amino acid residue is found in multiple mammalian species, which suggests that this missense change does not adversely affect protein function. This variant has not been reported in the literature in individuals affected with TBC1D7-related conditions. This variant is not present in population databases (ExAC no frequency). This sequence change replaces glutamine with arginine at codon 268 of the TBC1D7 protein (p.Gln268Arg). The glutamine residue is moderately conserved and there is a small physicochemical difference between glutamine and arginine.